The following is an entry in ClinVar:

NM_020937.4(FANCM):c.5581A>G (p.Met1861Val)

Gene: FANCM (FA complementation group M; plus strand). Cytogenetic location: 14q21.2.
Variant type: single nucleotide variant.
Coding change: c.5581A>G on transcript NM_020937.4 (MANE Select); coding-DNA position 5581, A replaced by G.
Protein change: p.Met1861Val; replaces methionine 1861 with valine.
Molecular consequence: missense variant.
Genome position (GRCh38, 1-based): chr14:45,196,412, A>G. VCF-style: chr14-45196412-A-G. GRCh37 (hg19) VCF-style: chr14-45665615-A-G.
Other names: c.5503A>G, p.Met1835Val (NM_001308133.2); short protein forms M1835V, M1861V.
Identifiers: ClinVar variation 856014 (VCV000856014.11), dbSNP rs763226965, ClinGen allele CA7170025.

ClinVar aggregate classification (germline): Uncertain significance. Review status: criteria provided, multiple submitters, no conflicts (2 of 4 stars). 3 submissions from 3 submitters: Uncertain significance (3). Last evaluated 2025-02-18.

Conditions:
Fanconi anemia (FA). Also called: Fanconi's anemia. Identifiers: Orphanet 84, MedGen C0015625, MeSH D005199, MONDO:0019391.
Spermatogenic failure 28. Identifiers: MedGen C4748117, MONDO:0054732, OMIM 618086.
Premature ovarian failure 15. Identifiers: MedGen C4748170, MONDO:0054862, OMIM 618096.

Allele frequency attached by ClinVar (database versions not stated): TOPMed below 0.00001; ExAC 0.00001; gnomAD exomes 0.00001 and 0.00002.

Submissions (3):

Labcorp Genetics (formerly Invitae), Labcorp
Classification: Uncertain significance for Fanconi anemia. Last evaluated: 2025-02-18. Review status: criteria provided, single submitter. Criteria: Invitae Variant Classification Sherloc (09022015). Collection method: clinical testing. Allele origin: germline.
Comment: This sequence change replaces methionine, which is neutral and non-polar, with valine, which is neutral and non-polar, at codon 1861 of the FANCM protein (p.Met1861Val). This variant is present in population databases (rs763226965, gnomAD 0.01%). This variant has not been reported in the literature in individuals affected with FANCM-related conditions. ClinVar contains an entry for this variant (Variation ID: 856014). An algorithm developed to predict the effect of missense changes on protein structure and function (PolyPhen-2) suggests that this variant is likely to be disruptive. In summary, the available evidence is currently insufficient to determine the role of this variant in disease. Therefore, it has been classified as a Variant of Uncertain Significance.

GeneDx
Classification: Uncertain significance. Last evaluated: 2023-07-25. Review status: criteria provided, single submitter. Criteria: GeneDx Variant Classification Process June 2021. Collection method: clinical testing. Allele origin: germline. Affected: yes.
Comment: Not observed at significant frequency in large population cohorts (gnomAD); In silico analysis supports that this missense variant has a deleterious effect on protein structure/function; Has not been previously published as pathogenic or benign to our knowledge

Fulgent Genetics
Classification: Uncertain significance for Spermatogenic failure 28; Premature ovarian failure 15. Last evaluated: 2021-09-23. Review status: criteria provided, single submitter. Criteria: ACMG Guidelines, 2015. Collection method: clinical testing. Allele origin: unknown.